The following is an entry in ClinVar:

ClinVar aggregate classification (germline): Pathogenic/Likely pathogenic. Review status: criteria provided, multiple submitters, no conflicts (2 of 4 stars). 3 submissions from 3 submitters: Pathogenic (1); Likely pathogenic (1). 1 of the submissions does not count toward it. Last evaluated 2025-01-06.

Conditions:
Leukocyte adhesion deficiency 3. Also called: Leukocyte adhesion deficiency, type III; INTEGRIN ACTIVATION DEFICIENCY DISEASE; LEUKOCYTE ADHESION DEFICIENCY 1 VARIANT. Identifiers: Orphanet 2968, Orphanet 99844, MedGen C2748536, MONDO:0013016, OMIM 612840.

Allele frequency attached by ClinVar (database versions not stated): gnomAD 0.00001; TOPMed 0.00001.

Submissions (3):

Labcorp Genetics (formerly Invitae), Labcorp
Classification: Pathogenic for Leukocyte adhesion deficiency 3. Last evaluated: 2025-01-06. Review status: criteria provided, single submitter. Criteria: Invitae Variant Classification Sherloc (09022015). Collection method: clinical testing. Allele origin: germline.
Comment: This sequence change creates a premature translational stop signal (p.Arg573*) in the FERMT3 gene. It is expected to result in an absent or disrupted protein product. Loss-of-function variants in FERMT3 are known to be pathogenic (PMID: 19064721, 19234463, 22134107). This variant is not present in population databases (gnomAD no frequency). This premature translational stop signal has been observed in individual(s) with Leukocyte adhesion deficiency (PMID: 20216991). ClinVar contains an entry for this variant (Variation ID: 2710). For these reasons, this variant has been classified as Pathogenic.

Neuberg Centre For Genomic Medicine, NCGM
Classification: Likely pathogenic for Leukocyte adhesion deficiency 3. Review status: criteria provided, single submitter. Criteria: ACMG Guidelines, 2015. Collection method: clinical testing. Allele origin: germline. Inheritance: Autosomal recessive inheritance. Affected: yes.
Comment: The c.1717C>T (p.Arg573Ter) stop gained variant in FERMT3 gene has been reported previously in homozygous state in a patient affected with LAD1v (Kuijpers et al., 2009). The c.1717C>T variant is novel (not in any individuals) in gnomAD Exomes and 1000 Genomes. This variant has been reported to the ClinVar database as Pathogenic. The nucleotide change c.1717C>T in FERMT3 is predicted as conserved by GERP++ and PhyloP across 100 vertebrates. Loss of function variants have been previously reported to be disease causing. However since this variant is present in the penultimate exon functional studies will be required to prove protein truncation. For these reasons, this variant has been classified as Likely Pathogenic.

OMIM
Classification: Pathogenic for LEUKOCYTE ADHESION DEFICIENCY, TYPE III. Last evaluated: 2009-05-07. Review status: no assertion criteria provided. Collection method: literature only. Allele origin: germline. Not counted in ClinVar's aggregate classification.

Literature cited by the submitters: PubMed 19064721 (cited by Labcorp Genetics (formerly Invitae), Labcorp and OMIM); PubMed 19234463 (cited by Labcorp Genetics (formerly Invitae), Labcorp); PubMed 22134107 (cited by Labcorp Genetics (formerly Invitae), Labcorp); PubMed 20216991 (cited by Labcorp Genetics (formerly Invitae), Labcorp).

NM_031471.6(FERMT3):c.1717C>T (p.Arg573Ter)

Gene: FERMT3 (FERM domain containing kindlin 3; plus strand). Cytogenetic location: 11q13.1.
Variant type: single nucleotide variant.
Coding change: c.1717C>T on transcript NM_031471.6 (MANE Select); coding-DNA position 1717, C replaced by T.
Protein change: p.Arg573Ter; replaces arginine 573 with a stop codon.
Molecular consequence: nonsense.
Genome position (GRCh38, 1-based): chr11:64,223,094, C>T. VCF-style: chr11-64223094-C-T. GRCh37 (hg19) VCF-style: chr11-63990566-C-T.
Other names: c.1717C>T, p.Arg573Ter (NM_001382361.1, NM_001382448.1); c.1729C>T, p.Arg577Ter (NM_001382362.1, NM_178443.3); c.1177C>T, p.Arg393Ter (NM_001382363.1); c.1189C>T, p.Arg397Ter (NM_001382364.1); short protein forms R573*, R577*, R393*, R397*.
Identifiers: ClinVar variation 2710 (VCV000002710.4), dbSNP rs121918297, ClinGen allele CA115701.